The following is an entry in ClinVar:

NM_000124.4(ERCC6):c.4064A>T (p.Asp1355Val)

Gene: ERCC6 (ERCC excision repair 6, chromatin remodeling factor; minus strand). Cytogenetic location: 10q11.23.
Variant type: single nucleotide variant.
Coding change: c.4064A>T on transcript NM_000124.4 (MANE Select); coding-DNA position 4064, A replaced by T.
Protein change: p.Asp1355Val; replaces aspartic acid 1355 with valine.
Molecular consequence: missense variant.
Genome position (GRCh38, 1-based): chr10:49,459,233, T>A on the plus strand (A>T on the coding strand, the complement: ERCC6 is on the minus strand). VCF-style: chr10-49459233-T-A. GRCh37 (hg19) VCF-style: chr10-50667279-T-A.
Other names: c.4064A>T, p.Asp1355Val (NM_001346440.2); short protein forms D1355V.
Identifiers: ClinVar variation 2167438 (VCV002167438.4), dbSNP rs1300774334, ClinGen allele CA376704855.

ClinVar aggregate classification (germline): Uncertain significance (1 of 4 stars; one submission).

Submission:

Labcorp Genetics (formerly Invitae), Labcorp
Classification: Uncertain significance. Last evaluated: 2023-12-11. Review status: criteria provided, single submitter. Criteria: Invitae Variant Classification Sherloc (09022015). Collection method: clinical testing. Allele origin: germline.
Comment: This sequence change replaces aspartic acid, which is acidic and polar, with valine, which is neutral and non-polar, at codon 1355 of the ERCC6 protein (p.Asp1355Val). This variant is present in population databases (no rsID available, gnomAD 0.0009%). This variant has not been reported in the literature in individuals affected with ERCC6-related conditions. ClinVar contains an entry for this variant (Variation ID: 2167438). An algorithm developed to predict the effect of missense changes on protein structure and function (PolyPhen-2) suggests that this variant is likely to be disruptive. In summary, the available evidence is currently insufficient to determine the role of this variant in disease. Therefore, it has been classified as a Variant of Uncertain Significance.